The following is an entry in ClinVar:

NM_000260.4(MYO7A):c.5419G>A (p.Glu1807Lys)

Gene: MYO7A (myosin VIIA; plus strand). Cytogenetic location: 11q13.5.
Variant type: single nucleotide variant.
Coding change: c.5419G>A on transcript NM_000260.4 (MANE Select); coding-DNA position 5419, G replaced by A.
Protein change: p.Glu1807Lys; replaces glutamic acid 1807 with lysine.
Molecular consequence: missense variant.
Genome position (GRCh38, 1-based): chr11:77,204,168, G>A. VCF-style: chr11-77204168-G-A. GRCh37 (hg19) VCF-style: chr11-76915213-G-A.
Other names: c.5305G>A, p.Glu1769Lys (NM_001127180.2); c.5272G>A, p.Glu1758Lys (NM_001369365.1); c.5419G>A (NM_000260.3); short protein forms E1758K, E1769K, E1807K.
Identifiers: ClinVar variation 3713298 (VCV003713298.3).
Genomic context (GRCh38, chr11:77,204,168, plus strand): 5'-AAGAGGACACGCTCCGTCAACGAGCTCACCGACCAGATCTTTGAGGGTCCCCTGAAAGCC[G>A]AGCCCCTGAAGGACGAGGCATATGTGCAGATCCTGAAGCAGCTGACCGACAACCACATCA-3'
Protein context (NP_000251.3, residues 1797-1817): DQIFEGPLKA[Glu1807Lys]PLKDEAYVQI

ClinVar aggregate classification (germline): Uncertain significance. Review status: criteria provided, multiple submitters, no conflicts (2 of 4 stars). 2 submissions from 2 submitters: Uncertain significance (2). Last evaluated 2025-08-27.

Conditions:
Inborn genetic diseases. Identifiers: MedGen C0950123, MeSH D030342.

gnomAD v4.1: 61 of 1,591,124 alleles (0.0038%); highest among the groups gnomAD compares: Middle Eastern, 0.016%; no homozygotes.

Submissions (2):

Ambry Genetics
Classification: Uncertain significance for Inborn genetic diseases. Last evaluated: 2025-08-27. Review status: criteria provided, single submitter. Criteria: Ambry Variant Classification Scheme 2023. Collection method: clinical testing. Allele origin: germline.

Labcorp Genetics (formerly Invitae), Labcorp
Classification: Uncertain significance. Last evaluated: 2024-11-04. Review status: criteria provided, single submitter. Criteria: Invitae Variant Classification Sherloc (09022015). Collection method: clinical testing. Allele origin: germline.
Comment: This sequence change replaces glutamic acid, which is acidic and polar, with lysine, which is basic and polar, at codon 1807 of the MYO7A protein (p.Glu1807Lys). The frequency data for this variant in the population databases is considered unreliable, as metrics indicate poor data quality at this position in the gnomAD database. This variant has not been reported in the literature in individuals affected with MYO7A-related conditions. Invitae Evidence Modeling of protein sequence and biophysical properties (such as structural, functional, and spatial information, amino acid conservation, physicochemical variation, residue mobility, and thermodynamic stability) indicates that this missense variant is expected to disrupt MYO7A protein function with a positive predictive value of 80%. In summary, the available evidence is currently insufficient to determine the role of this variant in disease. Therefore, it has been classified as a Variant of Uncertain Significance.